The following is an entry in ClinVar:

NM_000092.5(COL4A4):c.1952G>A (p.Gly651Asp)

Gene: COL4A4 (collagen type IV alpha 4 chain; minus strand). Cytogenetic location: 2q36.3.
Variant type: single nucleotide variant.
Coding change: c.1952G>A on transcript NM_000092.5 (MANE Select); coding-DNA position 1952, G replaced by A.
Protein change: p.Gly651Asp; replaces glycine 651 with aspartic acid.
Molecular consequence: missense variant.
Genome position (GRCh38, 1-based): chr2:227,077,929, C>T on the plus strand (G>A on the coding strand, the complement: COL4A4 is on the minus strand). VCF-style: chr2-227077929-C-T. GRCh37 (hg19) VCF-style: chr2-227942645-C-T.
Other names: c.1952G>A (NM_000092.4); short protein forms G651D.
Identifiers: ClinVar variation 1377741 (VCV001377741.7), dbSNP rs2059121113, ClinGen allele CA350845162.

ClinVar aggregate classification (germline): Conflicting classifications of pathogenicity. Review status: criteria provided, conflicting classifications (1 of 4 stars). 2 submissions from 2 submitters: Likely pathogenic (1); Uncertain significance (1). Last evaluated 2024-08-21.

Conditions:
Alport syndrome. Also called: Hemorrhagic familial nephritis; Hemorrhagic hereditary nephritis; Congenital hereditary hematuria. Identifiers: Orphanet 63, MedGen C1567741, MONDO:0018965.

gnomAD v4.1: 2 of 1,613,552 alleles (0.00012%); highest among the groups gnomAD compares: Non-Finnish European, 0.000085%; no homozygotes.

Submissions (2):

Natera, Inc.
Classification: Likely pathogenic for Alport syndrome. Last evaluated: 2024-08-21. Review status: criteria provided, single submitter. Criteria: Natera Variant Classification Schema (03/2026). Collection method: clinical testing. Allele origin: germline.
Comment: The c.1952G>A variant in COL4A4 is a missense variant predicted to cause substitution of glycine to aspartic acid at amino acid 651. This variant is rare in the general population with a frequency below the threshold expected for the associated phenotype(s). This variant is located in a functionally critical region of the protein. A different variant at the same position has been determined to be Pathogenic or Likely Pathogenic. Computational prediction algorithms indicate this variant is likely to affect gene or protein function. Given the available evidence, this variant is classified as Likely Pathogenic.

Labcorp Genetics (formerly Invitae), Labcorp
Classification: Uncertain significance. Last evaluated: 2021-08-26. Review status: criteria provided, single submitter. Criteria: Invitae Variant Classification Sherloc (09022015). Collection method: clinical testing. Allele origin: germline.
Comment: This sequence change replaces glycine with aspartic acid at codon 651 of the COL4A4 protein (p.Gly651Asp). The glycine residue is highly conserved and there is a moderate physicochemical difference between glycine and aspartic acid. This variant is not present in population databases (ExAC no frequency). This variant has not been reported in the literature in individuals affected with COL4A4-related conditions. Advanced modeling of protein sequence and biophysical properties (such as structural, functional, and spatial information, amino acid conservation, physicochemical variation, residue mobility, and thermodynamic stability) performed at Invitae indicates that this missense variant is expected to disrupt COL4A4 protein function. In summary, the available evidence is currently insufficient to determine the role of this variant in disease. Therefore, it has been classified as a Variant of Uncertain Significance.